The following is an entry in ClinVar:

NM_007294.4(BRCA1):c.4976C>G (p.Pro1659Arg)

Gene: BRCA1 (BRCA1 DNA repair associated; minus strand). Cytogenetic location: 17q21.31.
Variant type: single nucleotide variant.
Coding change: c.4976C>G on transcript NM_007294.4 (MANE Select); coding-DNA position 4976, C replaced by G.
Protein change: p.Pro1659Arg; replaces proline 1659 with arginine.
Molecular consequence: missense variant. On other transcripts: non-coding transcript variant (1).
Genome position (GRCh38, 1-based): chr17:43,070,938, G>C on the plus strand (C>G on the coding strand, the complement: BRCA1 is on the minus strand). VCF-style: chr17-43070938-G-C. GRCh37 (hg19) VCF-style: chr17-41222955-G-C.
Other names: c.4763C>G, p.Pro1588Arg (NM_001407571.1, NM_001407896.1, NM_001407897.1 and 12 more transcripts); c.5042C>G, p.Pro1681Arg (NM_001407581.1, NM_001407582.1); c.5039C>G, p.Pro1680Arg (NM_001407583.1, NM_001407585.1, NM_001407587.1 and 1 more transcripts); c.5036C>G, p.Pro1679Arg (NM_001407590.1, NM_001407591.1); c.4976C>G, p.Pro1659Arg (NM_001407593.1, NM_001407594.1, NM_001407596.1 and 8 more transcripts); c.4973C>G, p.Pro1658Arg (NM_001407610.1, NM_001407611.1, NM_001407612.1 and 17 more transcripts); c.4970C>G, p.Pro1657Arg (NM_001407627.1, NM_001407628.1, NM_001407629.1 and 14 more transcripts); c.4967C>G, p.Pro1656Arg (NM_001407645.1, NM_001407644.1); and 70 more; short protein forms P1612R, P1659R, P1680R, P555R, P1546R, P1569R, P1571R, P1592R.
Identifiers: ClinVar variation 865748 (VCV000865748.3), dbSNP rs2052357390, ClinGen allele CA10591574.

Conditions:
Breast-ovarian cancer, familial, susceptibility to, 1 (BROVCA1). Also called: BRCA1 Hereditary Breast and Ovarian Cancer; OVARIAN CANCER, SUSCEPTIBILITY TO. Identifiers: Orphanet 145, MedGen C2676676, MONDO:0011450, OMIM 604370. Disease mechanism: loss of function.

Submission:

Brotman Baty Institute, University of Washington
No classification provided (evidence only). Condition: Breast-ovarian cancer, familial 1. Review status: no classification provided. Collection method: in vitro. Allele origin: not applicable. Functional consequence: functionally_normal.
ClinVar note: "not provided" was previously submitted as the classification for the variant. However, the classification appeared to be based only on an observation of functional data so it was converted to no classification on 2025-07-30.